The following is an entry in ClinVar:

NM_015100.4(POGZ):c.1809dup (p.Glu604Ter)

Gene: POGZ (pogo transposable element derived with ZNF domain; minus strand). Cytogenetic location: 1q21.3.
Variant type: Duplication.
Coding change: c.1809dup on transcript NM_015100.4 (MANE Select); coding-DNA position 1809, one base duplicated (T; older notation c.1809dupT).
Protein change: p.Glu604Ter; replaces glutamic acid 604 with a stop codon.
Molecular consequence: nonsense.
Genome position (GRCh38, 1-based): chr1:151,411,742, A duplicated on the plus strand (T on the coding strand, the reverse complement: POGZ is on the minus strand). VCF-style (leftmost placement, unchanged base first): chr1-151411741-C-CA. GRCh37 (hg19) VCF-style: chr1-151384217-C-CA.
Other names: c.1782dup, p.Glu595Ter (NM_001194937.2); c.1623dup, p.Glu542Ter (NM_001194938.2); c.1524dup, p.Glu509Ter (NM_145796.4); c.1650dup, p.Glu551Ter (NM_207171.2); short protein forms E551*, E595*, E604*, E509*, E542*.
Identifiers: ClinVar variation 817576 (VCV000817576.1), dbSNP rs1571356820, ClinGen allele CA915941419.
Genomic context (GRCh38, chr1:151,411,741, plus strand): 5'-AATAAGGGCAGAGCAGATGCCGGGTATCCTCATGGATCATCCGAAAATGGACATCTACCT[C>CA]AGAGTAGAGTGAGGAGCGATATTGACACACCTGAGTCACATAGGAGGGAAAATAAGGCTA-3'

ClinVar aggregate classification (germline): Pathogenic (1 of 4 stars; one submission).

Submission:

GeneDx
Classification: Pathogenic. Last evaluated: 2018-12-14. Review status: criteria provided, single submitter. Criteria: GeneDx Variant Classification (06012015). Collection method: clinical testing. Allele origin: germline. Affected: yes.
Comment: The c.1809dupT pathogenic variant in the POGZ gene causes a frameshift starting with codon Glutamate 604, and changes this amino acid to a Stop codon, denoted p.Glu604Ter. This pathogenic variant is predicted to cause loss of normal protein function either through protein truncation or nonsense-mediated mRNA decay. The c.1809dupT variant is not observed in large population cohorts (Lek et al., 2016).